The following is an entry in ClinVar:

NM_024312.5(GNPTAB):c.204-15G>T

Gene: GNPTAB (N-acetylglucosamine-1-phosphate transferase subunits alpha and beta; minus strand). Cytogenetic location: 12q23.2.
Variant type: single nucleotide variant.
Coding change: c.204-15G>T on transcript NM_024312.5 (MANE Select); 15 bases into the intron before coding-DNA position 204, G replaced by T.
Molecular consequence: intron variant.
Genome position (GRCh38, 1-based): chr12:101,790,072, C>A on the plus strand (G>T on the coding strand, the complement: GNPTAB is on the minus strand). VCF-style: chr12-101790072-C-A. GRCh37 (hg19) VCF-style: chr12-102183850-C-A.
Identifiers: ClinVar variation 306819 (VCV000306819.22), dbSNP rs10860787, ClinGen allele CA6746958.

ClinVar aggregate classification (germline): Benign. Review status: criteria provided, multiple submitters, no conflicts (2 of 4 stars). 9 submissions from 7 submitters: Benign (8). 1 of the submissions does not count toward it. Last evaluated 2026-02-04.

Conditions:
Pseudo-Hurler polydystrophy. Also called: MUCOLIPIDOSIS IIIA; ML IIIA; Mucolipidosis III Alpha/Beta; ML III; ML III ALPHA/BETA; Type III Mucolipidosis. Identifiers: Orphanet 423461, Orphanet 577, MedGen C0033788, MONDO:0018931, OMIM 252600.
Mucolipidosis type II. Also called: Mucolipidosis II Alpha/Beta; ML II ALPHA/BETA; Mucolipidosis 2; ML 2; Inclusion cell disease; Leroy Disease. Identifiers: Orphanet 576, MedGen C2673377, MONDO:0009650, OMIM 252500.

Allele frequency attached by ClinVar (database versions not stated): TOPMed 0.01923; gnomAD 0.01423 and 0.02200; gnomAD exomes 0.02223 and 0.04777; 1000 Genomes Project 30x 0.08916; 1000 Genomes Project 0.09764; ExAC 0.04831; ESP Exome Variant Server 0.00377.
gnomAD v4.1: 36,627 of 1,613,994 alleles (2.3%); highest among the groups gnomAD compares: East Asian, 32%; 3,644 homozygotes.

Submissions (9):

Labcorp Genetics (formerly Invitae), Labcorp
Classification: Benign for Pseudo-Hurler polydystrophy; Mucolipidosis type II. Last evaluated: 2026-02-04. Review status: criteria provided, single submitter. Criteria: Invitae Variant Classification Sherloc (09022015). Collection method: clinical testing. Allele origin: germline.

Genome-Nilou Lab
Classification: Benign for Mucolipidosis type II. Last evaluated: 2021-07-01. Review status: criteria provided, single submitter. Criteria: ACMG Guidelines, 2015. Collection method: clinical testing. Allele origin: germline. Affected: no.

Genome-Nilou Lab
Classification: Benign for Pseudo-Hurler polydystrophy. Last evaluated: 2021-07-01. Review status: criteria provided, single submitter. Criteria: ACMG Guidelines, 2015. Collection method: clinical testing. Allele origin: germline. Affected: no.

GeneDx
Classification: Benign. Last evaluated: 2018-06-19. Review status: criteria provided, single submitter. Criteria: GeneDx Variant Classification (06012015). Collection method: clinical testing. Allele origin: germline. Affected: yes.
Comment: This variant is considered likely benign or benign based on one or more of the following criteria: it is a conservative change, it occurs at a poorly conserved position in the protein, it is predicted to be benign by multiple in silico algorithms, and/or has population frequency not consistent with disease.

Illumina Laboratory Services, Illumina
Classification: Benign for Mucolipidosis type II. Last evaluated: 2018-01-13. Review status: criteria provided, single submitter. Criteria: ICSL Variant Classification Criteria 13 December 2019. Collection method: clinical testing. Allele origin: germline.
Comment: This variant was observed in the ICSL laboratory as part of a predisposition screen in an ostensibly healthy population. It had not been previously curated by ICSL or reported in the Human Gene Mutation Database (HGMD: prior to June 1st, 2018), and was therefore a candidate for classification through an automated scoring system. Utilizing variant allele frequency, disease prevalence and penetrance estimates, and inheritance mode, an automated score was calculated to assess if this variant is too frequent to cause the disease. Based on the score and internal cut-off values, a variant classified as benign is not then subjected to further curation. The score for this variant resulted in a classification of benign for this disease.

Illumina Laboratory Services, Illumina
Classification: Benign for Pseudo-Hurler polydystrophy. Last evaluated: 2018-01-13. Review status: criteria provided, single submitter. Criteria: ICSL Variant Classification Criteria 13 December 2019. Collection method: clinical testing. Allele origin: germline.
Comment: the same text as in the submission from Illumina Laboratory Services, Illumina above.

Women's Health and Genetics/Laboratory Corporation of America, LabCorp
Classification: Benign. Last evaluated: 2016-10-10. Review status: criteria provided, single submitter. Criteria: LabCorp Variant Classification Summary - May 2015. Collection method: clinical testing. Allele origin: germline.
Comment: Variant summary: The GNPTAB c.204-15G>T variant involves the alteration of a non-conserved intronic nucleotide. Mutation taster predicts a benign outcome for this variant along with 5/5 splice prediction tools predict no significant impact on splicing. This variant was found in 5864/121394 control chromosomes (675 homozygotes), predominantly observed in the East Asian subpopulation at a frequency of 0.3188339 (2756/8644). This frequency greatly exceeds the estimated maximal expected allele frequency of a pathogenic GNPTAB variant (0.0022361), indicating this is a benign polymorphism found primarily in the populations of East Asian origin. The variant of interest has not, to our knowledge, been reported in affected individuals via publications nor evaluated for functional impact by in vivo/vitro studies. One reputable clinical lab has classified the variant as benign. Taken together, this variant is classified as benign.

Breakthrough Genomics
Classification: Benign. Review status: criteria provided, single submitter. Criteria: ACMG Guidelines, 2015. Collection method: not provided. Allele origin: germline. Inheritance: Autosomal recessive inheritance. Affected: yes.

Mayo Clinic Laboratories, Mayo Clinic
Classification: Benign. Last evaluated: 2017-12-06. Review status: no assertion criteria provided. Collection method: clinical testing. Allele origin: unknown. Not counted in ClinVar's aggregate classification.